The following is an entry in ClinVar:

ClinVar aggregate classification (germline): Pathogenic. Review status: criteria provided, multiple submitters, no conflicts (2 of 4 stars). 3 submissions from 3 submitters: Pathogenic (3). Last evaluated 2024-04-04.

Conditions:
Microphthalmia, syndromic 9. Also called: ANOPHTHALMIA, CLINICAL, WITH MILD FACIAL DYSMORPHISM AND VARIABLE MALFORMATIONS OF THE LUNG, HEART, AND DIAPHRAGM; ANOPHTHALMIA/MICROPHTHALMIA AND PULMONARY HYPOPLASIA; PULMONARY AGENESIS, MICROPHTHALMIA, AND DIAPHRAGMATIC DEFECT; SPEAR SYNDROME; Matthew-Wood syndrome. Identifiers: Orphanet 2470, MedGen C1832661, MONDO:0011010, OMIM 601186.

gnomAD v4.1: 20 of 1,613,294 alleles (0.0012%); highest among the groups gnomAD compares: Non-Finnish European, 0.0016%; no homozygotes.

Submissions (3):

Genomic Medicine Center of Excellence, King Faisal Specialist Hospital and Research Centre
Classification: Pathogenic for Microphthalmia, syndromic 9. Last evaluated: 2024-04-04. Review status: criteria provided, single submitter. Criteria: ACMG Guidelines, 2015. Collection method: clinical testing. Allele origin: germline.

GeneDx
Classification: Pathogenic. Last evaluated: 2022-06-24. Review status: criteria provided, single submitter. Criteria: GeneDx Variant Classification Process June 2021. Collection method: clinical testing. Allele origin: germline. Affected: yes.
Comment: Nonsense variant predicted to result in protein truncation or nonsense mediated decay in a gene for which loss of function is a known mechanism of disease; Not observed at significant frequency in large population cohorts (gnomAD); This variant is associated with the following publications: (PMID: 29450879, 31130284)

Greenwood Genetic Center Diagnostic Laboratories, Greenwood Genetic Center
Classification: Pathogenic for Microphthalmia, syndromic 9. Last evaluated: 2021-12-28. Review status: criteria provided, single submitter. Criteria: ACMG Guidelines, 2015. Collection method: clinical testing. Allele origin: germline. Affected: yes.
Comment: PVS1, PM2, PM3

NM_022369.4(STRA6):c.1594C>T (p.Arg532Ter)

Gene: STRA6 (signaling receptor and transporter of retinol STRA6; minus strand). Cytogenetic location: 15q24.1.
Variant type: single nucleotide variant.
Coding change: c.1594C>T on transcript NM_022369.4 (MANE Select); coding-DNA position 1594, C replaced by T.
Protein change: p.Arg532Ter; replaces arginine 532 with a stop codon.
Molecular consequence: nonsense.
Genome position (GRCh38, 1-based): chr15:74,181,385, G>A on the plus strand (C>T on the coding strand, the complement: STRA6 is on the minus strand). VCF-style: chr15-74181385-G-A. GRCh37 (hg19) VCF-style: chr15-74473726-G-A.
Other names: c.1594C>T, p.Arg532Ter (NM_001142617.2, NM_001142618.2); c.1567C>T, p.Arg523Ter (NM_001142619.2); c.1705C>T, p.Arg569Ter (NM_001199040.2); c.1639C>T, p.Arg547Ter (NM_001199041.2); c.1711C>T, p.Arg571Ter (NM_001199042.2); c.1594C>T (NM_022369.3); short protein forms R523*, R532*, R547*, R569*, R571*.
Identifiers: ClinVar variation 1334721 (VCV001334721.6), dbSNP rs570214336, ClinGen allele CA393129878.